The following is an entry in ClinVar:

NM_003970.4(MYOM2):c.2101G>A (p.Val701Ile)

Gene: MYOM2 (myomesin 2; plus strand). Cytogenetic location: 8p23.3.
Variant type: single nucleotide variant.
Coding change: c.2101G>A on transcript NM_003970.4 (MANE Select); coding-DNA position 2101, G replaced by A.
Protein change: p.Val701Ile; replaces valine 701 with isoleucine.
Molecular consequence: missense variant.
Genome position (GRCh38, 1-based): chr8:2,094,067, G>A. VCF-style: chr8-2094067-G-A. GRCh37 (hg19) VCF-style: chr8-2041894-G-A.
Other names: short protein forms V701I.
Identifiers: ClinVar variation 3055552 (VCV003055552.2), dbSNP rs35335787, ClinGen allele CA170456687.
Genomic context (GRCh38, chr8:2,094,067, plus strand): 5'-ATCTTCCGAGTCAAGGCGGTCAATGCTGTGGGGATGAGTGAAAATTCCCAGGAATCAGAC[G>A]TCATAAAAGTGCAGGCCGCACTCAGTAAGTCACTCACAGGCTGTTGTGTGCCGATTGCTC-3'
Protein context (NP_003961.3, residues 691-711): GMSENSQESD[Val701Ile]IKVQAALTVP

ClinVar aggregate classification (germline): Benign (0 of 4 stars; one submission).

Conditions:
MYOM2-related disorder. Also called: MYOM2-related condition.

Allele frequency attached by ClinVar (database versions not stated): 1000 Genomes Project 0.01977; 1000 Genomes Project 30x 0.02061; gnomAD 0.03798; TOPMed 0.03877; ESP Exome Variant Server 0.04283.
gnomAD v4.1: 78,737 of 1,614,044 alleles (4.9%); highest among the groups gnomAD compares: Non-Finnish European, 5.6%; 2,362 homozygotes.

Submission:

PreventionGenetics, part of Exact Sciences
Classification: Benign for MYOM2-related condition. Last evaluated: 2019-09-24. Review status: no assertion criteria provided. Collection method: clinical testing. Allele origin: germline.
Comment: This variant is classified as benign based on ACMG/AMP sequence variant interpretation guidelines (Richards et al. 2015 PMID: 25741868, with internal and published modifications).